The following is an entry in ClinVar:

NM_002055.5(GFAP):c.1171+402C>A

Gene: GFAP (glial fibrillary acidic protein; minus strand). Cytogenetic location: 17q21.31.
Variant type: single nucleotide variant.
Coding change: c.1171+402C>A on transcript NM_002055.5 (MANE Select); 402 bases into the intron after coding-DNA position 1171, C replaced by A.
Molecular consequence: intron variant. On other transcripts: missense variant (2), 3 prime UTR variant (1).
Genome position (GRCh38, 1-based): chr17:44,910,213, G>T on the plus strand (C>A on the coding strand, the complement: GFAP is on the minus strand). VCF-style: chr17-44910213-G-T. GRCh37 (hg19) VCF-style: chr17-42987581-G-T.
Other names: c.1219C>A, p.Leu407Ile (NM_001131019.3, NM_001363846.2); c.*256C>A (NM_001242376.3); short protein forms L407I.
Identifiers: ClinVar variation 3604626 (VCV003604626.2).

ClinVar aggregate classification (germline): Uncertain significance (1 of 4 stars; one submission).

gnomAD v4.1: 5 of 1,613,994 alleles (0.00031%); highest among the groups gnomAD compares: Non-Finnish European, 0.00042%; no homozygotes.

Submission:

Labcorp Genetics (formerly Invitae), Labcorp
Classification: Uncertain significance. Last evaluated: 2025-07-21. Review status: criteria provided, single submitter. Criteria: Invitae Variant Classification Sherloc (09022015). Collection method: clinical testing. Allele origin: germline.
Comment: The GFAP gene has multiple clinically relevant transcripts. This variant occurs in alternate transcript NM_001131019.2, and corresponds to NM_002055.4:c.1171+402C>A in the primary transcript. This sequence change replaces leucine, which is neutral and non-polar, with isoleucine, which is neutral and non-polar, at codon 407 of the GFAP protein (p.Leu407Ile). This variant is not present in population databases (gnomAD no frequency). This variant has not been reported in the literature in individuals affected with GFAP-related conditions. ClinVar contains an entry for this variant (Variation ID: 3604626). Experimental studies and prediction algorithms are not available or were not evaluated, and the functional significance of this variant is currently unknown. Algorithms developed to predict the effect of sequence changes on RNA splicing suggest that this variant is not likely to affect RNA splicing. In summary, the available evidence is currently insufficient to determine the role of this variant in disease. Therefore, it has been classified as a Variant of Uncertain Significance.